The following is an entry in ClinVar:

ClinVar aggregate classification (germline): Likely benign (1 of 4 stars; one submission).

gnomAD v4.1: 217 of 1,612,404 alleles (0.013%); highest among the groups gnomAD compares: East Asian, 0.25%; 1 homozygote.

Submission:

CeGaT Center for Human Genetics Tuebingen
Classification: Likely benign. Last evaluated: 2026-03-01. Review status: criteria provided, single submitter. Criteria: CeGaT Center For Human Genetics Tuebingen Variant Classification Criteria Version 2. Collection method: clinical testing. Allele origin: germline. Affected: yes. Observed: 1 variant allele.
Comment: TET3: BP4, BP7

NM_001287491.2(TET3):c.1548G>A (p.Ser516=)

Gene: TET3 (tet methylcytosine dioxygenase 3; plus strand). Cytogenetic location: 2p13.1.
Variant type: single nucleotide variant.
Coding change: c.1548G>A on transcript NM_001287491.2 (MANE Select); coding-DNA position 1548, G replaced by A.
Protein change: p.Ser516=; no amino-acid change (serine 516 retained).
Molecular consequence: synonymous variant.
Genome position (GRCh38, 1-based): chr2:74,047,465, G>A. VCF-style: chr2-74047465-G-A. GRCh37 (hg19) VCF-style: chr2-74274592-G-A.
Other names: c.1269G>A, p.Ser423= (NM_001366022.1).
Identifiers: ClinVar variation 4821797 (VCV004821797.4).